The following is an entry in ClinVar:

NC_000002.12:g.(?_47804904)_(47805713_?)del

Gene: MSH6 (mutS homolog 6; plus strand). Cytogenetic location: 2p16.3.
Variant type: Deletion.
Identifiers: ClinVar variation 525957 (VCV000525957.1).

ClinVar aggregate classification (germline): Pathogenic (1 of 4 stars; one submission).

Conditions:
Hereditary nonpolyposis colorectal neoplasms. Identifiers: MedGen C0009405, MeSH D003123.

Submission:

Labcorp Genetics (formerly Invitae), Labcorp
Classification: Pathogenic for Hereditary nonpolyposis colorectal neoplasms. Last evaluated: 2017-11-19. Review status: criteria provided, single submitter. Criteria: Invitae Variant Classification Sherloc (09022015). Collection method: clinical testing. Allele origin: germline.
Comment: This variant is an out-of-frame deletion of the genomic region encompassing exons 6-7 of the MSH6 gene. This is expected to create a premature translational stop signal and result in an absent or disrupted protein product. This variant has not been reported in the literature in individuals with MSH6-related disease. Loss-of-function variants in MSH6 are known to be pathogenic (PMID: 18269114, 24362816). For these reasons, this variant has been classified as Pathogenic.